The following is an entry in ClinVar:

ClinVar aggregate classification (germline): Uncertain significance. Review status: criteria provided, multiple submitters, no conflicts (2 of 4 stars). 2 submissions from 2 submitters: Uncertain significance (2). Last evaluated 2024-03-21.

Conditions:
Hereditary cancer-predisposing syndrome. Also called: Hereditary Cancer Syndrome; Tumor predisposition; Hereditary neoplastic syndrome; Neoplastic Syndromes, Hereditary. Identifiers: Orphanet 140162, MedGen C0027672, MeSH D009386, MONDO:0015356.

Submissions (2):

Ambry Genetics
Classification: Uncertain significance for Hereditary cancer-predisposing syndrome. Last evaluated: 2024-03-21. Review status: criteria provided, single submitter. Criteria: Ambry Variant Classification Scheme 2023. Collection method: clinical testing. Allele origin: germline.
Comment: The p.F703L variant (also known as c.2109T>G), located in coding exon 15 of the MSH3 gene, results from a T to G substitution at nucleotide position 2109. The phenylalanine at codon 703 is replaced by leucine, an amino acid with highly similar properties. This amino acid position is conserved. In addition, the in silico prediction for this alteration is inconclusive. Based on the available evidence, the clinical significance of this alteration remains unclear.

Labcorp Genetics (formerly Invitae), Labcorp
Classification: Uncertain significance. Last evaluated: 2023-06-04. Review status: criteria provided, single submitter. Criteria: Invitae Variant Classification Sherloc (09022015). Collection method: clinical testing. Allele origin: germline.
Comment: This variant has not been reported in the literature in individuals affected with MSH3-related conditions. ClinVar contains an entry for this variant (Variation ID: 1042907). An algorithm developed to predict the effect of missense changes on protein structure and function (PolyPhen-2) suggests that this variant is likely to be disruptive. In summary, the available evidence is currently insufficient to determine the role of this variant in disease. Therefore, it has been classified as a Variant of Uncertain Significance. This variant is not present in population databases (gnomAD no frequency). This sequence change replaces phenylalanine, which is neutral and non-polar, with leucine, which is neutral and non-polar, at codon 703 of the MSH3 protein (p.Phe703Leu).

NM_002439.5(MSH3):c.2109T>G (p.Phe703Leu)

Gene: MSH3 (mutS homolog 3; plus strand). Cytogenetic location: 5q14.1.
Variant type: single nucleotide variant.
Coding change: c.2109T>G on transcript NM_002439.5 (MANE Select); coding-DNA position 2109, T replaced by G.
Protein change: p.Phe703Leu; replaces phenylalanine 703 with leucine.
Molecular consequence: missense variant.
Genome position (GRCh38, 1-based): chr5:80,768,859, T>G. VCF-style: chr5-80768859-T-G. GRCh37 (hg19) VCF-style: chr5-80064678-T-G.
Other names: c.2109T>G (NM_002439.3); short protein forms F703L.
Identifiers: ClinVar variation 1042907 (VCV001042907.7), dbSNP rs1744168483, ClinGen allele CA360279251.